The following is an entry in ClinVar:

ClinVar aggregate classification (germline): Uncertain significance (1 of 4 stars; one submission).

Conditions:
Singleton-Merten syndrome 1 (SGMRT1). Also called: Widened medullary cavities of bone, aortic calcification, abnormal dentition, and muscular weakness; Syndrome of widened medullary cavities of the metacarpals and phalanges, aortic calcification and abnormal dentition. Identifiers: Orphanet 85191, MedGen C4225427, MONDO:0024535, OMIM 182250.
Aicardi-Goutieres syndrome 7 (AGS7). Identifiers: Orphanet 51, MedGen C3888244, MONDO:0014367, OMIM 615846.

Allele frequency attached by ClinVar (database versions not stated): gnomAD exomes below 0.00001 and 0.00001; ExAC 0.00001; gnomAD 0.00001; TOPMed 0.00002.
gnomAD v4.1: 14 of 1,607,120 alleles (0.00087%); highest among the groups gnomAD compares: Non-Finnish European, 0.0011%; no homozygotes.

Submission:

Labcorp Genetics (formerly Invitae), Labcorp
Classification: Uncertain significance for Aicardi-Goutieres syndrome 7; Singleton-Merten syndrome 1. Last evaluated: 2024-03-10. Review status: criteria provided, single submitter. Criteria: Invitae Variant Classification Sherloc (09022015). Collection method: clinical testing. Allele origin: germline.
Comment: This sequence change replaces tyrosine, which is neutral and polar, with cysteine, which is neutral and slightly polar, at codon 630 of the IFIH1 protein (p.Tyr630Cys). The frequency data for this variant in the population databases is considered unreliable, as metrics indicate poor data quality at this position in the gnomAD database. This variant has not been reported in the literature in individuals affected with IFIH1-related conditions. ClinVar contains an entry for this variant (Variation ID: 939629). Advanced modeling of protein sequence and biophysical properties (such as structural, functional, and spatial information, amino acid conservation, physicochemical variation, residue mobility, and thermodynamic stability) has been performed at Invitae for this missense variant, however the output from this modeling did not meet the statistical confidence thresholds required to predict the impact of this variant on IFIH1 protein function. In summary, the available evidence is currently insufficient to determine the role of this variant in disease. Therefore, it has been classified as a Variant of Uncertain Significance.

NM_022168.4(IFIH1):c.1889A>G (p.Tyr630Cys)

Gene: IFIH1 (interferon induced with helicase C domain 1; minus strand). Cytogenetic location: 2q24.2.
Variant type: single nucleotide variant.
Coding change: c.1889A>G on transcript NM_022168.4 (MANE Select); coding-DNA position 1889, A replaced by G.
Protein change: p.Tyr630Cys; replaces tyrosine 630 with cysteine.
Molecular consequence: missense variant.
Genome position (GRCh38, 1-based): chr2:162,277,570, T>C on the plus strand (A>G on the coding strand, the complement: IFIH1 is on the minus strand). VCF-style: chr2-162277570-T-C. GRCh37 (hg19) VCF-style: chr2-163134080-T-C.
Other names: short protein forms Y630C.
Identifiers: ClinVar variation 939629 (VCV000939629.9), dbSNP rs775623826, ClinGen allele CA1934357.